The following is an entry in ClinVar:

ClinVar aggregate classification (germline): Uncertain significance (1 of 4 stars; one submission).

Allele frequency attached by ClinVar (database versions not stated): ExAC 0.00001; TOPMed 0.00002; gnomAD 0.00005.
gnomAD v4.1: 14 of 1,612,874 alleles (0.00087%); highest among the groups gnomAD compares: African/African-American, 0.013%; no homozygotes.

Submission:

Labcorp Genetics (formerly Invitae), Labcorp
Classification: Uncertain significance. Last evaluated: 2025-11-15. Review status: criteria provided, single submitter. Criteria: Invitae Variant Classification Sherloc (09022015). Collection method: clinical testing. Allele origin: germline.
Comment: This sequence change replaces valine, which is neutral and non-polar, with alanine, which is neutral and non-polar, at codon 293 of the COL9A3 protein (p.Val293Ala). This variant is present in population databases (rs776296030, gnomAD 0.03%). This variant has not been reported in the literature in individuals affected with COL9A3-related conditions. ClinVar contains an entry for this variant (Variation ID: 1946964). Invitae Evidence Modeling of protein sequence and biophysical properties (such as structural, functional, and spatial information, amino acid conservation, physicochemical variation, residue mobility, and thermodynamic stability) indicates that this missense variant is not expected to disrupt COL9A3 protein function with a negative predictive value of 95%. In summary, the available evidence is currently insufficient to determine the role of this variant in disease. Therefore, it has been classified as a Variant of Uncertain Significance.

NM_001853.4(COL9A3):c.878T>C (p.Val293Ala)

Gene: COL9A3 (collagen type IX alpha 3 chain; plus strand). Cytogenetic location: 20q13.33.
Variant type: single nucleotide variant.
Coding change: c.878T>C on transcript NM_001853.4 (MANE Select); coding-DNA position 878, T replaced by C.
Protein change: p.Val293Ala; replaces valine 293 with alanine.
Molecular consequence: missense variant.
Genome position (GRCh38, 1-based): chr20:62,827,954, T>C. VCF-style: chr20-62827954-T-C. GRCh37 (hg19) VCF-style: chr20-61459306-T-C.
Other names: short protein forms V293A.
Identifiers: ClinVar variation 1946964 (VCV001946964.5), dbSNP rs776296030, ClinGen allele CA9949571.
Genomic context (GRCh38, chr20:62,827,954, plus strand): 5'-ACTGCTTCTGTCACTTGTGTGTCCTCTAGGGCAGACCTGGTCCCAAGGGAACCCCCGGAG[T>C]GGCCGGGCCAAGCGGAGAGCCGGTGAGTGCACGTGGCTGCTCATGGAATGCTCCTCCCCC-3'
Protein context (NP_001844.3, residues 283-303): GRPGPKGTPG[Val293Ala]AGPSGEPGMP